The following is an entry in ClinVar:

ClinVar aggregate classification (germline): Benign/Likely benign. Review status: criteria provided, multiple submitters, no conflicts (2 of 4 stars). 26 submissions from 19 submitters: Benign (19); Likely benign (2). 5 of the submissions do not count toward it. Last evaluated 2026-02-04.

Conditions:
Cardiovascular phenotype. Identifiers: MedGen CN230736.
Dilated cardiomyopathy 1G (CMD1G). Identifiers: Orphanet 154, MedGen C1858763, MONDO:0011400, OMIM 604145.
Autosomal recessive limb-girdle muscular dystrophy type 2J (LGMDR10). Also called: MUSCULAR DYSTROPHY, LIMB-GIRDLE, AUTOSOMAL RECESSIVE 10; Limb-girdle muscular dystrophy, type 2J. Identifiers: Orphanet 140922, MedGen C1837342, MONDO:0012127, OMIM 608807.
Early-onset myopathy with fatal cardiomyopathy (CMYO5). Also called: CONGENITAL MYOPATHY 5 WITH CARDIOMYOPATHY; Salih Myopathy. Identifiers: Orphanet 289377, MedGen C2673677, MONDO:0012714, OMIM 611705. Disease mechanism: loss of function.
Myopathy, myofibrillar, 9, with early respiratory failure (MFM9). Also called: Myopathy, distal, with early respiratory failure, autosomal dominant; Hereditary myopathy with early respiratory failure; MYOPATHY, PROXIMAL, WITH EARLY RESPIRATORY MUSCLE INVOLVEMENT; EDSTROM MYOPATHY. Identifiers: Orphanet 178464, Orphanet 34521, MedGen C1863599, MONDO:0011362, OMIM 603689.
Tibial muscular dystrophy (TMD). Also called: Udd Distal Myopathy – Tibial Muscular Dystrophy; Tibial muscular dystrophy, tardive; UDD MYOPATHY. Identifiers: Orphanet 609, MedGen C1838244, MONDO:0010870, OMIM 600334.

Allele frequency attached by ClinVar (database versions not stated): ESP Exome Variant Server 0.01593; gnomAD 0.01986 and 0.02008; 1000 Genomes Project 30x 0.02061; TOPMed 0.01848; 1000 Genomes Project 0.02216.
gnomAD v4.1: 36,713 of 1,613,562 alleles (2.3%); highest among the groups gnomAD compares: East Asian, 6.2%; 521 homozygotes.

Submissions (26):

Labcorp Genetics (formerly Invitae), Labcorp
Classification: Benign for Dilated cardiomyopathy 1G; Autosomal recessive limb-girdle muscular dystrophy type 2J. Last evaluated: 2026-02-04. Review status: criteria provided, single submitter. Criteria: Invitae Variant Classification Sherloc (09022015). Collection method: clinical testing. Allele origin: germline.

Molecular Diagnostic Laboratory for Inherited Cardiovascular Disease, Montreal Heart Institute
Classification: Benign. Last evaluated: 2025-04-09. Review status: criteria provided, single submitter. Criteria: ACMG Guidelines, 2015. Collection method: clinical testing. Allele origin: germline. Affected: no.

Genome-Nilou Lab
Classification: Benign for Autosomal recessive limb-girdle muscular dystrophy type 2J. Last evaluated: 2021-09-10. Review status: criteria provided, single submitter. Criteria: ACMG Guidelines, 2015. Collection method: clinical testing. Allele origin: germline. Affected: no.

Genome-Nilou Lab
Classification: Benign for Myopathy, myofibrillar, 9, with early respiratory failure. Last evaluated: 2021-09-10. Review status: criteria provided, single submitter. Criteria: ACMG Guidelines, 2015. Collection method: clinical testing. Allele origin: germline. Affected: no.

Genome-Nilou Lab
Classification: Benign for Early-onset myopathy with fatal cardiomyopathy. Last evaluated: 2021-09-10. Review status: criteria provided, single submitter. Criteria: ACMG Guidelines, 2015. Collection method: clinical testing. Allele origin: germline. Affected: no.

Genome-Nilou Lab
Classification: Benign for Tibial muscular dystrophy. Last evaluated: 2021-09-10. Review status: criteria provided, single submitter. Criteria: ACMG Guidelines, 2015. Collection method: clinical testing. Allele origin: germline. Affected: no.

Women's Health and Genetics/Laboratory Corporation of America, LabCorp
Classification: Benign. Last evaluated: 2020-01-11. Review status: criteria provided, single submitter. Criteria: LabCorp Variant Classification Summary - May 2015. Collection method: clinical testing. Allele origin: germline.

Athena Diagnostics
Classification: Benign. Last evaluated: 2019-01-16. Review status: criteria provided, single submitter. Criteria: Athena Diagnostics Criteria. Collection method: clinical testing. Allele origin: germline.

Illumina Laboratory Services, Illumina
Classification: Benign for Early-onset myopathy with fatal cardiomyopathy. Last evaluated: 2018-01-13. Review status: criteria provided, single submitter. Criteria: ICSL Variant Classification Criteria 13 December 2019. Collection method: clinical testing. Allele origin: germline.
Comment: This variant was observed in the ICSL laboratory as part of a predisposition screen in an ostensibly healthy population. It had not been previously curated by ICSL or reported in the Human Gene Mutation Database (HGMD: prior to June 1st, 2018), and was therefore a candidate for classification through an automated scoring system. Utilizing variant allele frequency, disease prevalence and penetrance estimates, and inheritance mode, an automated score was calculated to assess if this variant is too frequent to cause the disease. Based on the score and internal cut-off values, a variant classified as benign is not then subjected to further curation. The score for this variant resulted in a classification of benign for this disease.

Illumina Laboratory Services, Illumina
Classification: Likely benign for Dilated cardiomyopathy 1G. Last evaluated: 2018-01-13. Review status: criteria provided, single submitter. Criteria: ICSL Variant Classification Criteria 13 December 2019. Collection method: clinical testing. Allele origin: germline.
Comment: This variant was observed in the ICSL laboratory as part of a predisposition screen in an ostensibly healthy population. It had not been previously curated by ICSL or reported in the Human Gene Mutation Database (HGMD: prior to June 1st, 2018), and was therefore a candidate for classification through an automated scoring system. Utilizing variant allele frequency, disease prevalence and penetrance estimates, and inheritance mode, an automated score was calculated to assess if this variant is too frequent to cause the disease. Based on the score and internal cut-off values, a variant classified as likely benign is not then subjected to further curation. The score for this variant resulted in a classification of likely benign for this disease.

Illumina Laboratory Services, Illumina
Classification: Benign for Autosomal recessive limb-girdle muscular dystrophy type 2J. Last evaluated: 2018-01-13. Review status: criteria provided, single submitter. Criteria: ICSL Variant Classification Criteria 13 December 2019. Collection method: clinical testing. Allele origin: germline.
Comment: the same text as in the submission from Illumina Laboratory Services, Illumina above.

Illumina Laboratory Services, Illumina
Classification: Benign for Tibial muscular dystrophy. Last evaluated: 2018-01-13. Review status: criteria provided, single submitter. Criteria: ICSL Variant Classification Criteria 13 December 2019. Collection method: clinical testing. Allele origin: germline.
Comment: the same text as in the submission from Illumina Laboratory Services, Illumina above.

Illumina Laboratory Services, Illumina
Classification: Benign for Myopathy, myofibrillar, 9, with early respiratory failure. Last evaluated: 2018-01-13. Review status: criteria provided, single submitter. Criteria: ICSL Variant Classification Criteria 13 December 2019. Collection method: clinical testing. Allele origin: germline.
Comment: the same text as in the submission from Illumina Laboratory Services, Illumina above.

Mayo Clinic Laboratories, Mayo Clinic
Classification: Benign. Last evaluated: 2017-10-03. Review status: criteria provided, single submitter. Criteria: ACMG Guidelines, 2015. Collection method: clinical testing. Allele origin: germline. Observed: 95 variant alleles.

Genetic Services Laboratory, University of Chicago
Classification: Benign for AllHighlyPenetrant. Last evaluated: 2013-08-15. Review status: criteria provided, single submitter. Criteria: ACMG Guidelines, 2007. Collection method: clinical testing. Allele origin: germline.

Eurofins Ntd Llc (ga)
Classification: Benign. Last evaluated: 2013-07-23. Review status: criteria provided, single submitter. Criteria: EGL Classification Definitions 2015. Collection method: clinical testing. Allele origin: germline. Observed: 1 variant allele, 1 heterozygote.

GeneDx
Classification: Benign. Last evaluated: 2013-04-29. Review status: criteria provided, single submitter. Criteria: GeneDx Variant Classification (06012015). Collection method: clinical testing. Allele origin: germline. Affected: yes.
Comment: This variant is considered likely benign or benign based on one or more of the following criteria: it is a conservative change, it occurs at a poorly conserved position in the protein, it is predicted to be benign by multiple in silico algorithms, and/or has population frequency not consistent with disease.

Ambry Genetics
Classification: Benign for Cardiovascular phenotype. Last evaluated: 2013-03-06. Review status: criteria provided, single submitter. Criteria: Ambry Autosomal Dominant and X-Linked criteria (10/2015). Collection method: clinical testing. Allele origin: germline. Observed: 1 variant allele.

Laboratory for Molecular Medicine, Mass General Brigham Personalized Medicine
Classification: Benign. Last evaluated: 2012-01-03. Review status: criteria provided, single submitter. Criteria: LMM Criteria. Collection method: clinical testing. Allele origin: germline. Observed: 62 variant alleles.

Breakthrough Genomics
Classification: Likely benign. Review status: criteria provided, single submitter. Criteria: ACMG Guidelines, 2015. Collection method: not provided. Allele origin: germline. Inheritance: Autosomal recessive inheritance. Affected: yes.

PreventionGenetics, part of Exact Sciences
Classification: Benign. Review status: criteria provided, single submitter. Criteria: ACMG Guidelines, 2015. Collection method: clinical testing. Allele origin: germline.

Clinical Genetics DNA and cytogenetics Diagnostics Lab, Erasmus MC, Erasmus Medical Center
Classification: Benign. Review status: no assertion criteria provided. Collection method: clinical testing. Allele origin: germline. Affected: yes. Study: VKGL Data-share Consensus. Not counted in ClinVar's aggregate classification.

Clinical Genetics, Academic Medical Center
Classification: Benign. Review status: no assertion criteria provided. Collection method: clinical testing. Allele origin: germline. Affected: yes. Study: VKGL Data-share Consensus. Not counted in ClinVar's aggregate classification.

Genome Diagnostics Laboratory, University Medical Center Utrecht
Classification: Benign. Review status: no assertion criteria provided. Collection method: clinical testing. Allele origin: germline. Affected: yes. Study: VKGL Data-share Consensus. Not counted in ClinVar's aggregate classification.

Joint Genome Diagnostic Labs from Nijmegen and Maastricht, Radboudumc and MUMC+
Classification: Benign. Review status: no assertion criteria provided. Collection method: clinical testing. Allele origin: germline. Affected: yes. Study: VKGL Data-share Consensus. Not counted in ClinVar's aggregate classification.

Laboratory of Diagnostic Genome Analysis, Leiden University Medical Center (LUMC)
Classification: Likely benign. Review status: no assertion criteria provided. Collection method: clinical testing. Allele origin: germline. Affected: yes. Study: VKGL Data-share Consensus. Not counted in ClinVar's aggregate classification.

NM_001267550.2(TTN):c.80799C>A (p.Thr26933=)

Genes: TTN-AS1 (TTN antisense RNA 1; plus strand), TTN (titin; minus strand). Cytogenetic location: 2q31.2.
Variant type: single nucleotide variant.
Coding change: c.80799C>A on transcript NM_001267550.2 (MANE Select); coding-DNA position 80799, C replaced by A.
Protein change: p.Thr26933=; no amino-acid change (threonine 26933 retained).
Molecular consequence: synonymous variant.
Genome position (GRCh38, 1-based): chr2:178,565,333, G>T on the plus strand (C>A on the coding strand, the complement: TTN is on the minus strand). VCF-style: chr2-178565333-G-T. GRCh37 (hg19) VCF-style: chr2-179430060-G-T.
Other names: p.T24365T:ACC>ACA; p.Thr24365=; c.75876C>A, p.Thr25292= (NM_001256850.1); c.53604C>A, p.Thr17868= (NM_003319.4); c.73095C>A, p.Thr24365= (NM_133378.4); c.53979C>A, p.Thr17993= (NM_133432.3); c.54180C>A, p.Thr18060= (NM_133437.4).
Identifiers: ClinVar variation 47392 (VCV000047392.41), dbSNP rs3813247, ClinGen allele CA283864.
Genomic context (GRCh38, chr2:178,565,333, plus strand): 5'-CGTTACGGTGTATTTTCCAAAGTCATCTTTGTTACCTTCTTTAATGTGCAAAACAGTTGA[G>T]GTAGCTGTTTCTTCAACGTTTACTCTTGTTGTCTGTTTAAGAGGCTCACCATCTTTGACC-3'
Protein context (NP_001254479.2, residues 26923-26943): TTRVNVEETA[Thr26933=]STVLHIKEGN